The following is an entry in ClinVar:

ClinVar aggregate classification (germline): Uncertain significance (1 of 4 stars; one submission).

Conditions:
Congenital disorder of glycosylation, type Ii. Also called: ALG2-CDG; CDG Ii; ALG2-congenital disorder of glycosylation. Identifiers: Orphanet 79326, MedGen C1842836, MONDO:0011933, OMIM 607906.
Congenital myasthenic syndrome 14. Also called: Myasthenic syndrome, congenital, 14, with tubular aggregates. Identifiers: Orphanet 353327, Orphanet 590, MedGen C4015597, MONDO:0014543, OMIM 616228.

Allele frequency attached by ClinVar (database versions not stated): gnomAD 0.00001; gnomAD exomes 0.00001 and 0.00002; TOPMed 0.00001; ExAC 0.00002.

Submission:

Labcorp Genetics (formerly Invitae), Labcorp
Classification: Uncertain significance for Congenital disorder of glycosylation, type Ii; Congenital myasthenic syndrome 14. Last evaluated: 2024-05-06. Review status: criteria provided, single submitter. Criteria: Invitae Variant Classification Sherloc (09022015). Collection method: clinical testing. Allele origin: germline.
Comment: This sequence change replaces threonine, which is neutral and polar, with isoleucine, which is neutral and non-polar, at codon 255 of the ALG2 protein (p.Thr255Ile). This variant is present in population databases (rs766853240, gnomAD 0.01%). This variant has not been reported in the literature in individuals affected with ALG2-related conditions. ClinVar contains an entry for this variant (Variation ID: 1491862). An algorithm developed to predict the effect of missense changes on protein structure and function (PolyPhen-2) suggests that this variant is likely to be tolerated. In summary, the available evidence is currently insufficient to determine the role of this variant in disease. Therefore, it has been classified as a Variant of Uncertain Significance.

NM_033087.4(ALG2):c.764C>T (p.Thr255Ile)

Gene: ALG2 (ALG2 alpha-1,3/1,6-mannosyltransferase; minus strand). Cytogenetic location: 9q22.33.
Variant type: single nucleotide variant.
Coding change: c.764C>T on transcript NM_033087.4 (MANE Select); coding-DNA position 764, C replaced by T.
Protein change: p.Thr255Ile; replaces threonine 255 with isoleucine.
Molecular consequence: missense variant. On other transcripts: non-coding transcript variant (1).
Genome position (GRCh38, 1-based): chr9:99,218,421, G>A on the plus strand (C>T on the coding strand, the complement: ALG2 is on the minus strand). VCF-style: chr9-99218421-G-A. GRCh37 (hg19) VCF-style: chr9-101980703-G-A.
Other names: short protein forms T255I.
Identifiers: ClinVar variation 1491862 (VCV001491862.8), dbSNP rs766853240, ClinGen allele CA5156256.